The following is an entry in ClinVar:

NM_206933.4(USH2A):c.8846-2A>G

Gene: USH2A (usherin; minus strand). Cytogenetic location: 1q41.
Variant type: single nucleotide variant.
Coding change: c.8846-2A>G on transcript NM_206933.4 (MANE Select); the canonical splice acceptor site of the intron before coding-DNA position 8846, A replaced by G.
Molecular consequence: splice acceptor variant.
Genome position (GRCh38, 1-based): chr1:215,846,035, T>C on the plus strand (A>G on the coding strand, the complement: USH2A is on the minus strand). VCF-style: chr1-215846035-T-C. GRCh37 (hg19) VCF-style: chr1-216019377-T-C.
Identifiers: ClinVar variation 553332 (VCV000553332.3), dbSNP rs1553268594, ClinGen allele CA344842277.

ClinVar aggregate classification (germline): Likely pathogenic. Review status: criteria provided, single submitter (1 of 4 stars). 2 submissions from 2 submitters: Likely pathogenic (1). 1 of the submissions does not count toward it. Last evaluated 2025-04-11.

Conditions:
Retinitis pigmentosa 39 (RP39). Identifiers: Orphanet 791, MedGen C3151138, MONDO:0013436, OMIM 613809.
Usher syndrome type 2A. Also called: RETINAL DISEASE IN USHER SYNDROME TYPE IIA, MODIFIER OF; USHER SYNDROME, TYPE IIA. Identifiers: Orphanet 231178, Orphanet 886, MedGen C1848634, MONDO:0010169, OMIM 276901.

Allele frequency attached by ClinVar (database versions not stated): gnomAD exomes below 0.00001.
gnomAD v4.1: 1 of 1,612,724 alleles (0.000062%); highest among the groups gnomAD compares: Non-Finnish European, 0.000085%; no homozygotes.

Submissions (2):

Labcorp Genetics (formerly Invitae), Labcorp
Classification: Likely pathogenic. Last evaluated: 2025-04-11. Review status: criteria provided, single submitter. Criteria: Invitae Variant Classification Sherloc (09022015). Collection method: clinical testing. Allele origin: germline.
Comment: This sequence change affects an acceptor splice site in intron 44 of the USH2A gene. It is expected to disrupt RNA splicing. Variants that disrupt the donor or acceptor splice site typically lead to a loss of protein function (PMID: 16199547), and loss-of-function variants in USH2A are known to be pathogenic (PMID: 10729113, 10909849, 20507924, 25649381). This variant is not present in population databases (gnomAD no frequency). Disruption of this splice site has been observed in individual(s) with USH2A-related conditions (PMID: 25241976, 34906470). This variant is also known as 216019377 T>C. ClinVar contains an entry for this variant (Variation ID: 553332). Algorithms developed to predict the effect of sequence changes on RNA splicing suggest that this variant may disrupt the consensus splice site. In summary, the currently available evidence indicates that the variant is pathogenic, but additional data are needed to prove that conclusively. Therefore, this variant has been classified as Likely Pathogenic.

Counsyl
Classification: Likely pathogenic for Usher syndrome type 2A; Retinitis pigmentosa 39. Last evaluated: 2017-08-15. Review status: no assertion criteria provided. Collection method: clinical testing. Allele origin: unknown. Not counted in ClinVar's aggregate classification.

Literature cited by the submitters: PubMed 16199547 (cited by Labcorp Genetics (formerly Invitae), Labcorp); PubMed 10729113 (cited by Labcorp Genetics (formerly Invitae), Labcorp); PubMed 10909849 (cited by Labcorp Genetics (formerly Invitae), Labcorp); PubMed 20507924 (cited by Labcorp Genetics (formerly Invitae), Labcorp); PubMed 25649381 (cited by Labcorp Genetics (formerly Invitae), Labcorp); PubMed 25241976 (cited by Labcorp Genetics (formerly Invitae), Labcorp); PubMed 34906470 (cited by Labcorp Genetics (formerly Invitae), Labcorp).